The following is an entry in ClinVar:

ClinVar aggregate classification (germline): Uncertain significance. Review status: criteria provided, multiple submitters, no conflicts (2 of 4 stars). 2 submissions from 2 submitters: Uncertain significance (2). Last evaluated 2024-04-28.

Conditions:
Cardiovascular phenotype. Identifiers: MedGen CN230736.
Long QT syndrome (LQTS). Identifiers: MedGen C0023976, MeSH D008133, MONDO:0002442. Disease mechanism: loss of function. Inheritance: Various modes of inheritance.

Allele frequency attached by ClinVar (database versions not stated): gnomAD exomes below 0.00001; TOPMed below 0.00001.
gnomAD v4.1: 2 of 1,613,628 alleles (0.00012%); highest among the groups gnomAD compares: Non-Finnish European, 0.00017%; no homozygotes.

Submissions (2):

Ambry Genetics
Classification: Uncertain significance for Cardiovascular phenotype. Last evaluated: 2024-04-28. Review status: criteria provided, single submitter. Criteria: Ambry Variant Classification Scheme 2023. Collection method: clinical testing. Allele origin: germline.
Comment: The p.T1482P variant (also known as c.4444A>C), located in coding exon 38 of the ANK2 gene, results from an A to C substitution at nucleotide position 4444. The threonine at codon 1482 is replaced by proline, an amino acid with highly similar properties. This amino acid position is conserved. In addition, the in silico prediction for this alteration is inconclusive. Based on the available evidence, the clinical significance of this variant remains unclear.

Labcorp Genetics (formerly Invitae), Labcorp
Classification: Uncertain significance for Long QT syndrome. Last evaluated: 2018-08-31. Review status: criteria provided, single submitter. Criteria: Invitae Variant Classification Sherloc (09022015). Collection method: clinical testing. Allele origin: germline.
Comment: This sequence change replaces threonine with proline at codon 1482 of the ANK2 protein (p.Thr1482Pro). The threonine residue is moderately conserved and there is a small physicochemical difference between threonine and proline. This variant is not present in population databases (ExAC no frequency) and has not been reported in the literature in individuals with a ANK2-related disease. Algorithms developed to predict the effect of missense changes on protein structure and function do not agree on the potential impact of this missense change (SIFT: "Deleterious"; PolyPhen-2: "Probably Damaging"; Align-GVGD: "Class C0"). In summary, this variant is a novel missense change with uncertain impact on protein function. It has been classified as a Variant of Uncertain Significance.

NM_001148.6(ANK2):c.4444A>C (p.Thr1482Pro)

Gene: ANK2 (ankyrin 2; plus strand). Cytogenetic location: 4q26.
Variant type: single nucleotide variant.
Coding change: c.4444A>C on transcript NM_001148.6 (MANE Select); coding-DNA position 4444, A replaced by C.
Protein change: p.Thr1482Pro; replaces threonine 1482 with proline.
Molecular consequence: missense variant. On other transcripts: intron variant (68).
Genome position (GRCh38, 1-based): chr4:113,353,062, A>C. VCF-style: chr4-113353062-A-C. GRCh37 (hg19) VCF-style: chr4-114274218-A-C.
Other names: c.4210A>C, p.Thr1404Pro (NM_001386142.1); c.844A>C, p.Thr282Pro (NM_001386166.1); c.4585A>C, p.Thr1529Pro (NM_001386174.1); c.4561A>C, p.Thr1521Pro (NM_001386175.1); c.4411+2813A>C (NM_001386186.2, NM_001386148.2); c.4213+2813A>C (NM_001354269.3); c.4291+2813A>C (NM_001386187.2); c.4252+2813A>C (NM_001386147.1); and 35 more; short protein forms T1482P, T1404P, T1521P, T1529P, T282P.
Identifiers: ClinVar variation 406473 (VCV000406473.7), dbSNP rs1060501157, ClinGen allele CA16611581.